The following is an entry in ClinVar:

ClinVar aggregate classification (germline): Likely benign (1 of 4 stars; one submission).

Conditions:
WNT1-related disorder. Also called: WNT1-related condition.

Submission:

PreventionGenetics, part of Exact Sciences
Classification: Likely benign for WNT1-related condition. Last evaluated: 2026-08-10. Review status: criteria provided, single submitter. Criteria: ACMG Guidelines, 2015. Collection method: clinical testing. Allele origin: germline.
Comment: This variant is classified as likely benign based on ACMG/AMP sequence variant interpretation guidelines (Richards et al. 2015 PMID: 25741868, with internal and published modifications).

NM_005430.4(WNT1):c.90C>T (p.Ser30=)

Gene: WNT1 (Wnt family member 1; plus strand). Cytogenetic location: 12q13.12.
Variant type: single nucleotide variant.
Coding change: c.90C>T on transcript NM_005430.4 (MANE Select); coding-DNA position 90, C replaced by T.
Protein change: p.Ser30=; no amino-acid change (serine 30 retained).
Molecular consequence: synonymous variant.
Genome position (GRCh38, 1-based): chr12:48,978,740, C>T. VCF-style: chr12-48978740-C-T. GRCh37 (hg19) VCF-style: chr12-49372523-C-T.
Identifiers: ClinVar variation 5000755 (VCV005000755.1).
Genomic context (GRCh38, chr12:48,978,740, plus strand): 5'-GGTTTCTGCTACGCTGCTGCTGGCGCTGGCCGCTCTGCCCGCAGCCCTGGCTGCCAACAG[C>T]AGTGGCCGATGGTGGTAAGTGAGCTGGTGCGGGGTCGCCACTTGTCCCGCGGCACAGAGC-3'
Protein context (NP_005421.1, residues 20-40): AALPAALAAN[Ser30=]SGRWWGIVNV